The following is an entry in ClinVar:

ClinVar aggregate classification (germline): Uncertain significance. Review status: criteria provided, multiple submitters, no conflicts (2 of 4 stars). 2 submissions from 2 submitters: Uncertain significance (2). Last evaluated 2024-10-23.

Conditions:
Hereditary cancer-predisposing syndrome. Also called: Neoplastic Syndromes, Hereditary; Tumor predisposition; Hereditary neoplastic syndrome; Hereditary Cancer Syndrome. Identifiers: Orphanet 140162, MedGen C0027672, MeSH D009386, MONDO:0015356.

Allele frequency attached by ClinVar (database versions not stated): TOPMed 0.00001; gnomAD exomes below 0.00001.
gnomAD v4.1: 1 of 1,613,208 alleles (0.000062%); highest among the groups gnomAD compares: Non-Finnish European, 0.000085%; no homozygotes.

Submissions (2):

Ambry Genetics
Classification: Uncertain significance for Hereditary cancer-predisposing syndrome. Last evaluated: 2024-10-23. Review status: criteria provided, single submitter. Criteria: Ambry Variant Classification Scheme 2023. Collection method: clinical testing. Allele origin: germline.
Comment: The p.A1246V variant (also known as c.3737C>T), located in coding exon 24 of the RAD50 gene, results from a C to T substitution at nucleotide position 3737. The alanine at codon 1246 is replaced by valine, an amino acid with similar properties. This amino acid position is well conserved in available vertebrate species. In addition, this alteration is predicted to be tolerated by in silico analysis. Since supporting evidence is limited at this time, the clinical significance of this alteration remains unclear.

Labcorp Genetics (formerly Invitae), Labcorp
Classification: Uncertain significance for Hereditary cancer-predisposing syndrome. Last evaluated: 2023-08-30. Review status: criteria provided, single submitter. Criteria: Invitae Variant Classification Sherloc (09022015). Collection method: clinical testing. Allele origin: germline.
Comment: This sequence change replaces alanine, which is neutral and non-polar, with valine, which is neutral and non-polar, at codon 1246 of the RAD50 protein (p.Ala1246Val). This variant is present in population databases (no rsID available, gnomAD 0.0009%). This variant has not been reported in the literature in individuals affected with RAD50-related conditions. ClinVar contains an entry for this variant (Variation ID: 824143). Advanced modeling of protein sequence and biophysical properties (such as structural, functional, and spatial information, amino acid conservation, physicochemical variation, residue mobility, and thermodynamic stability) performed at Invitae indicates that this missense variant is expected to disrupt RAD50 protein function. In summary, the available evidence is currently insufficient to determine the role of this variant in disease. Therefore, it has been classified as a Variant of Uncertain Significance.

NM_005732.4(RAD50):c.3737C>T (p.Ala1246Val)

Genes: RAD50 (RAD50 double strand break repair protein; plus strand), TH2-LCR (Th2 cytokine locus control region; plus strand), TH2LCRR (T helper type 2 locus control region associated RNA; minus strand). Cytogenetic location: 5q31.1.
Variant type: single nucleotide variant.
Coding change: c.3737C>T on transcript NM_005732.4 (MANE Select); coding-DNA position 3737, C replaced by T.
Protein change: p.Ala1246Val; replaces alanine 1246 with valine.
Molecular consequence: missense variant.
Genome position (GRCh38, 1-based): chr5:132,640,790, C>T. VCF-style: chr5-132640790-C-T. GRCh37 (hg19) VCF-style: chr5-131976482-C-T.
Other names: short protein forms A1246V.
Identifiers: ClinVar variation 824143 (VCV000824143.15), dbSNP rs1370560173, ClinGen allele CA360934942.
Genomic context (GRCh38, chr5:132,640,790, plus strand): 5'-GCATCATTGCCTTGGATGAGCCAACAACAAATCTTGACCGAGAAAACATTGAATCTCTTG[C>T]ACATGCTCTGGTTGAGTAAGTATCTCTTGCACATGCTCTGGTTGAGTAAGTATCTCACAT-3'
Protein context (NP_005723.2, residues 1236-1256): NLDRENIESL[Ala1246Val]HALVEIIKSR